The following is an entry in ClinVar:

NM_007347.5(AP4E1):c.1804C>T (p.Leu602Phe)

Gene: AP4E1 (adaptor related protein complex 4 subunit epsilon 1; plus strand). Cytogenetic location: 15q21.2.
Variant type: single nucleotide variant.
Coding change: c.1804C>T on transcript NM_007347.5 (MANE Select); coding-DNA position 1804, C replaced by T.
Protein change: p.Leu602Phe; replaces leucine 602 with phenylalanine.
Molecular consequence: missense variant.
Genome position (GRCh38, 1-based): chr15:50,958,747, C>T. VCF-style: chr15-50958747-C-T. GRCh37 (hg19) VCF-style: chr15-51250944-C-T.
Other names: c.1579C>T, p.Leu527Phe (NM_001252127.2); short protein forms L527F, L602F.
Identifiers: ClinVar variation 1384938 (VCV001384938.8), dbSNP rs201486041, ClinGen allele CA7559157.

ClinVar aggregate classification (germline): Uncertain significance (1 of 4 stars; one submission).

Conditions:
Spastic paraplegia. Identifiers: MedGen C0037772, HP:0001258.

Allele frequency attached by ClinVar (database versions not stated): gnomAD exomes below 0.00001 and 0.00003; gnomAD 0.00001 and 0.00003; ExAC 0.00002; TOPMed 0.00002; 1000 Genomes Project 0.00060; 1000 Genomes Project 30x 0.00062.
gnomAD v4.1: 11 of 1,614,106 alleles (0.00068%); highest among the groups gnomAD compares: East Asian, 0.022%; no homozygotes.

Submission:

Labcorp Genetics (formerly Invitae), Labcorp
Classification: Uncertain significance for Spastic paraplegia. Last evaluated: 2024-08-13. Review status: criteria provided, single submitter. Criteria: Invitae Variant Classification Sherloc (09022015). Collection method: clinical testing. Allele origin: germline.
Comment: This sequence change replaces leucine, which is neutral and non-polar, with phenylalanine, which is neutral and non-polar, at codon 602 of the AP4E1 protein (p.Leu602Phe). This variant is present in population databases (rs201486041, gnomAD 0.04%). This variant has not been reported in the literature in individuals affected with AP4E1-related conditions. ClinVar contains an entry for this variant (Variation ID: 1384938). An algorithm developed to predict the effect of missense changes on protein structure and function outputs the following: PolyPhen-2: "Benign". The phenylalanine amino acid residue is found in multiple mammalian species, which suggests that this missense change does not adversely affect protein function. In summary, the available evidence is currently insufficient to determine the role of this variant in disease. Therefore, it has been classified as a Variant of Uncertain Significance.